The following is an entry in ClinVar:

ClinVar aggregate classification (germline): Likely pathogenic (1 of 4 stars; one submission).

Submission:

Dasa
Classification: Likely pathogenic. Last evaluated: 2026-03-09. Review status: criteria provided, single submitter. Criteria: DASA Assertion Criteria. Collection method: clinical testing. Allele origin: germline.
Comment: NM_001282531.3(ADNP):c.688_689insT (p.Pro230Leufs*5) is a frameshift variant in ADNP predicted to alter the reading frame and introduce a premature termination codon and is predicted to result in an absent or altered protein product. Loss of function is an established disease mechanism for ADNP (PMID: 24531329; PMID: 25533962). Also, this variant is rare in population databases. Based on the currently available evidence, this variant is classified as likely pathogenic.

Literature cited by the submitters: PubMed 24531329; PubMed 25533962.

NM_001282531.3(ADNP):c.688_689insT (p.Pro230fs)

Gene: ADNP (activity dependent neuroprotector homeobox; minus strand). Cytogenetic location: 20q13.13.
Variant type: Insertion.
Coding change: c.688_689insT on transcript NM_001282531.3 (MANE Select); coding-DNA positions 688 to 689, T inserted.
Protein change: p.Pro230fs; shifts the reading frame from proline 230.
Molecular consequence: frameshift variant.
Genome position: GRCh38 VCF-style: chr20-50894025-G-GA. GRCh37 (hg19) VCF-style: chr20-49510562-G-GA.
Other names: c.688_689insT, p.Pro230fs (NM_001282532.2, NM_001347511.2, NM_015339.5 and 1 more transcripts); c.904_905insT, p.Pro302fs (NM_001439000.1); c.4_5insT, p.Pro2fs (NM_001439001.1); short protein forms P230fs, P2fs, P302fs.
Identifiers: ClinVar variation 4886523 (VCV004886523.2).
Genomic context (GRCh38, chr20:50,894,025, plus strand): 5'-TGATAGCCTATACGTTCATGGTCTTCGATGACATGCTGTACCAAAGCTTCATAGGACTTT[G>GA]GCATGAAAAGGCATCGCTTGCAGTGAATACTACTCTCTTCTCGGGCATTCGAGCCTAAGG-3'